The following is an entry in ClinVar:

ClinVar aggregate classification (germline): Uncertain significance (1 of 4 stars; one submission).

Conditions:
Hereditary nonpolyposis colorectal neoplasms. Identifiers: MedGen C0009405, MeSH D003123.

Submission:

Labcorp Genetics (formerly Invitae), Labcorp
Classification: Uncertain significance for Hereditary nonpolyposis colorectal neoplasms. Last evaluated: 2023-01-05. Review status: criteria provided, single submitter. Criteria: Invitae Variant Classification Sherloc (09022015). Collection method: clinical testing. Allele origin: unknown.
Comment: In summary, the available evidence is currently insufficient to determine the role of this variant in disease. Therefore, it has been classified as a Variant of Uncertain Significance. Experimental studies and prediction algorithms are not available or were not evaluated, and the functional significance of this variant is currently unknown. This variant has not been reported in the literature in individuals affected with MSH6-related conditions. This variant results in a copy number gain of the genomic region encompassing exon(s) 4-10 of the MSH6 gene. This region includes the termination codon of the gene. This copy number gain extends beyond the assayed region for this gene and therefore may encompass additional genes. As the precise location of this event is unknown, it may be in tandem or it may be located elsewhere in the genome.

NC_000002.11:g.(?_48025740)_(48033999_?)dup

Gene: MSH6 (mutS homolog 6; plus strand). Cytogenetic location: 2p16.3.
Variant type: Duplication.
Identifiers: ClinVar variation 3247079 (VCV003247079.1).